The following is an entry in ClinVar:

NM_001127511.3(APC):c.100G>T (p.Val34Phe)

Gene: APC (APC regulator of Wnt signaling pathway; plus strand). Cytogenetic location: 5q22.2.
Variant type: single nucleotide variant.
Coding change: c.100G>T on transcript NM_001127511.3; coding-DNA position 100, G replaced by T.
Protein change: p.Val34Phe; replaces valine 34 with phenylalanine.
Molecular consequence: missense variant. On other transcripts: 5 prime UTR variant (8), non-coding transcript variant (1), intron variant (5).
Genome position (GRCh38, 1-based): chr5:112,707,817, G>T. VCF-style: chr5-112707817-G-T. GRCh37 (hg19) VCF-style: chr5-112043514-G-T.
Other names: c.-84G>T (NM_001354895.2, NM_001407447.1, NM_001407452.1 and 3 more transcripts); c.100G>T, p.Val34Phe (NM_001354897.2, NM_001354902.2, NM_001407446.1); c.-1119G>T (NM_001407470.1, NM_001407472.1); c.-19+168G>T (NM_001407448.1, NM_001407450.1, NM_001407457.1 and 1 more transcripts); c.-43+168G>T (NM_001407453.1); short protein forms V34F.
Identifiers: ClinVar variation 1499124 (VCV001499124.6), dbSNP rs1232734822, ClinGen allele CA360611984.

ClinVar aggregate classification (germline): Uncertain significance (1 of 4 stars; one submission).

Conditions:
Familial adenomatous polyposis 1 (FAP1). Also called: FAMILIAL ADENOMATOUS POLYPOSIS 1, ATTENUATED; POLYPOSIS, ADENOMATOUS INTESTINAL. Identifiers: MedGen C2713442, MONDO:0021056, OMIM 175100. Disease mechanism: loss of function.

Submission:

Labcorp Genetics (formerly Invitae), Labcorp
Classification: Uncertain significance for Familial adenomatous polyposis 1. Last evaluated: 2024-01-02. Review status: criteria provided, single submitter. Criteria: Invitae Variant Classification Sherloc (09022015). Collection method: clinical testing. Allele origin: germline.
Comment: This variant occurs in a non-coding region of the APC gene. It does not change the encoded amino acid sequence of the APC protein. This variant is not present in population databases (gnomAD no frequency). This variant has not been reported in the literature in individuals affected with APC-related conditions. Experimental studies and prediction algorithms are not available or were not evaluated, and the functional significance of this variant is currently unknown. In summary, the available evidence is currently insufficient to determine the role of this variant in disease. Therefore, it has been classified as a Variant of Uncertain Significance.